The following is an entry in ClinVar:

NM_001080449.3(DNA2):c.1057+9G>T

Gene: DNA2 (DNA replication helicase/nuclease 2; minus strand). Cytogenetic location: 10q21.3.
Variant type: single nucleotide variant.
Coding change: c.1057+9G>T on transcript NM_001080449.3 (MANE Select); 9 bases into the intron after coding-DNA position 1057, G replaced by T.
Molecular consequence: intron variant.
Genome position (GRCh38, 1-based): chr10:68,446,287, C>A on the plus strand (G>T on the coding strand, the complement: DNA2 is on the minus strand). VCF-style: chr10-68446287-C-A. GRCh37 (hg19) VCF-style: chr10-70206044-C-A.
Identifiers: ClinVar variation 745760 (VCV000745760.8), dbSNP rs757243525, ClinGen allele CA915945938.

ClinVar aggregate classification (germline): Likely benign. Review status: criteria provided, single submitter (1 of 4 stars). 2 submissions from 2 submitters: Likely benign (1). 1 of the submissions does not count toward it. Last evaluated 2024-01-19.

Conditions:
DNA2-related disorder. Also called: DNA2-related condition.

gnomAD v4.1: 5 of 1,464,954 alleles (0.00034%); highest among the groups gnomAD compares: African/African-American, 0.0029%; no homozygotes.

Submissions (2):

Labcorp Genetics (formerly Invitae), Labcorp
Classification: Likely benign. Last evaluated: 2024-01-19. Review status: criteria provided, single submitter. Criteria: Invitae Variant Classification Sherloc (09022015). Collection method: clinical testing. Allele origin: germline.

PreventionGenetics, part of Exact Sciences
Classification: Likely benign for DNA2-related condition. Last evaluated: 2019-12-20. Review status: no assertion criteria provided. Collection method: clinical testing. Allele origin: germline. Not counted in ClinVar's aggregate classification.
Comment: This variant is classified as likely benign based on ACMG/AMP sequence variant interpretation guidelines (Richards et al. 2015 PMID: 25741868, with internal and published modifications).